The following is an entry in ClinVar:

ClinVar aggregate classification (germline): Benign. Review status: criteria provided, multiple submitters, no conflicts (2 of 4 stars). 4 submissions from 4 submitters: Benign (3). 1 of the submissions does not count toward it. Last evaluated 2026-02-04.

Conditions:
PLXNA1-related disorder. Also called: PLXNA1-related condition.

Allele frequency attached by ClinVar (database versions not stated): 1000 Genomes Project 0.06530; 1000 Genomes Project 30x 0.06543; ExAC 0.10551; ESP Exome Variant Server 0.11220.
gnomAD v4.1: 182,156 of 1,607,742 alleles (11%); highest among the groups gnomAD compares: Middle Eastern, 19%; 11,116 homozygotes.

Submissions (4):

Labcorp Genetics (formerly Invitae), Labcorp
Classification: Benign. Last evaluated: 2026-02-04. Review status: criteria provided, single submitter. Criteria: Invitae Variant Classification Sherloc (09022015). Collection method: clinical testing. Allele origin: germline.

GeneDx
Classification: Benign. Last evaluated: 2018-08-13. Review status: criteria provided, single submitter. Criteria: GeneDx Variant Classification Process June 2021. Collection method: clinical testing. Allele origin: germline. Affected: yes.

Breakthrough Genomics
Classification: Benign. Review status: criteria provided, single submitter. Criteria: ACMG Guidelines, 2015. Collection method: not provided. Allele origin: germline. Inheritance: Autosomal recessive inheritance. Affected: yes.

PreventionGenetics, part of Exact Sciences
Classification: Benign for PLXNA1-related condition. Last evaluated: 2019-12-03. Review status: no assertion criteria provided. Collection method: clinical testing. Allele origin: germline. Not counted in ClinVar's aggregate classification.
Comment: This variant is classified as benign based on ACMG/AMP sequence variant interpretation guidelines (Richards et al. 2015 PMID: 25741868, with internal and published modifications).

NM_032242.4(PLXNA1):c.2439C>T (p.Arg813=)

Gene: PLXNA1 (plexin A1; plus strand). Cytogenetic location: 3q21.3.
Variant type: single nucleotide variant.
Coding change: c.2439C>T on transcript NM_032242.4 (MANE Select); coding-DNA position 2439, C replaced by T.
Protein change: p.Arg813=; no amino-acid change (arginine 813 retained).
Molecular consequence: synonymous variant.
Genome position (GRCh38, 1-based): chr3:127,014,210, C>T. VCF-style: chr3-127014210-C-T. GRCh37 (hg19) VCF-style: chr3-126733053-C-T.
Identifiers: ClinVar variation 1252460 (VCV001252460.13), dbSNP rs11719489, ClinGen allele CA2593632.